The following is an entry in ClinVar:

ClinVar aggregate classification (germline): Uncertain significance (1 of 4 stars; one submission).

Conditions:
Autosomal dominant nonsyndromic hearing loss 1. Also called: KONIGSMARK SYNDROME; DEAFNESS, AUTOSOMAL DOMINANT 1, WITH OR WITHOUT THROMBOCYTOPENIA. Identifiers: Orphanet 90635, MedGen C1852282, MONDO:0007424, OMIM 124900.
Progressive microcephaly-seizures-cortical blindness-developmental delay syndrome. Also called: Seizures, cortical blindness, and microcephaly syndrome. Identifiers: Orphanet 477814, MedGen C5567650, MONDO:0014714, OMIM 616632.

gnomAD v4.1: 1 of 1,614,024 alleles (0.000062%); highest among the groups gnomAD compares: Non-Finnish European, 0.000085%; no homozygotes.

Submission:

Labcorp Genetics (formerly Invitae), Labcorp
Classification: Uncertain significance for Progressive microcephaly-seizures-cortical blindness-developmental delay syndrome; Autosomal dominant nonsyndromic hearing loss 1. Last evaluated: 2024-11-11. Review status: criteria provided, single submitter. Criteria: Invitae Variant Classification Sherloc (09022015). Collection method: clinical testing. Allele origin: germline.
Comment: This sequence change replaces proline, which is neutral and non-polar, with alanine, which is neutral and non-polar, at codon 581 of the DIAPH1 protein (p.Pro581Ala). This variant is not present in population databases (gnomAD no frequency). This variant has not been reported in the literature in individuals affected with DIAPH1-related conditions. An algorithm developed to predict the effect of missense changes on protein structure and function outputs the following: PolyPhen-2: "Not Available". The alanine amino acid residue is found in multiple mammalian species, which suggests that this missense change does not adversely affect protein function. In summary, the available evidence is currently insufficient to determine the role of this variant in disease. Therefore, it has been classified as a Variant of Uncertain Significance.

NM_005219.5(DIAPH1):c.1741C>G (p.Pro581Ala)

Gene: DIAPH1 (diaphanous related formin 1; minus strand). Cytogenetic location: 5q31.3.
Variant type: single nucleotide variant.
Coding change: c.1741C>G on transcript NM_005219.5 (MANE Select); coding-DNA position 1741, C replaced by G.
Protein change: p.Pro581Ala; replaces proline 581 with alanine.
Molecular consequence: missense variant.
Genome position (GRCh38, 1-based): chr5:141,574,109, G>C on the plus strand (C>G on the coding strand, the complement: DIAPH1 is on the minus strand). VCF-style: chr5-141574109-G-C. GRCh37 (hg19) VCF-style: chr5-140953676-G-C.
Other names: c.1714C>G, p.Pro572Ala (NM_001079812.3); c.1741C>G, p.Pro581Ala (NM_001314007.2); short protein forms P572A, P581A.
Identifiers: ClinVar variation 3759759 (VCV003759759.2).
Genomic context (GRCh38, chr5:141,574,109, plus strand): 5'-CAGGTGGTGGTGGAATAATAGTGCCAGAGTCACCAGGTAAAGGAGGGGCAGGGGGAACAG[G>C]AGCACGACTAGGAACAGAAGGAGGTACAGTAATAGCTGCCGCAGAGAGGGAAGCCATTTC-3'
Protein context (NP_005210.3, residues 571-591): TVPPSVPSRA[Pro581Ala]VPPAPPLPGD